The following is an entry in ClinVar:

ClinVar aggregate classification (germline): Uncertain significance. Review status: criteria provided, multiple submitters, no conflicts (2 of 4 stars). 5 submissions from 5 submitters: Uncertain significance (5). Last evaluated 2026-01-20.

Conditions:
Polymicrogyria with or without vascular-type Ehlers-Danlos syndrome. Identifiers: Orphanet 636941, MedGen C5193040, MONDO:0032688, OMIM 618343.
Ehlers-Danlos syndrome, type 4 (EDSVASC). Also called: Ehlers-Danlos syndrome vascular type; Ehlers Danlos syndrome, ecchymotic type; Ehlers Danlos syndrome, arterial type; Ehlers Danlos syndrome, Sack-Barabas type; Ehlers-Danlos Syndrome Type IV. Identifiers: Orphanet 286, MedGen C0268338, MONDO:0017314, OMIM 130050.
Familial thoracic aortic aneurysm and aortic dissection (TAAD). Also called: Thoracic aortic aneurysms and dissections. Identifiers: Orphanet 91387, MedGen C4707243, MONDO:0019625.

Allele frequency attached by ClinVar (database versions not stated): gnomAD 0.00001; gnomAD exomes 0.00001; TOPMed 0.00002.
gnomAD v4.1: 16 of 1,614,050 alleles (0.00099%); highest among the groups gnomAD compares: Non-Finnish European, 0.0013%; no homozygotes.

Submissions (5):

Labcorp Genetics (formerly Invitae), Labcorp
Classification: Uncertain significance for Ehlers-Danlos syndrome, type 4. Last evaluated: 2026-01-20. Review status: criteria provided, single submitter. Criteria: Invitae Variant Classification Sherloc (09022015). Collection method: clinical testing. Allele origin: germline.
Comment: This sequence change replaces isoleucine, which is neutral and non-polar, with threonine, which is neutral and polar, at codon 499 of the COL3A1 protein (p.Ile499Thr). This variant is not present in population databases (gnomAD no frequency). This variant has not been reported in the literature in individuals affected with COL3A1-related conditions. ClinVar contains an entry for this variant (Variation ID: 459764). Invitae Evidence Modeling of protein sequence and biophysical properties (such as structural, functional, and spatial information, amino acid conservation, physicochemical variation, residue mobility, and thermodynamic stability) indicates that this missense variant is not expected to disrupt COL3A1 protein function with a negative predictive value of 95%. In summary, the available evidence is currently insufficient to determine the role of this variant in disease. Therefore, it has been classified as a Variant of Uncertain Significance.

All of Us Research Program, National Institutes of Health
Classification: Uncertain significance for Ehlers-Danlos syndrome, type 4. Last evaluated: 2024-09-11. Review status: criteria provided, single submitter. Criteria: ACMG Guidelines, 2015. Collection method: clinical testing. Allele origin: germline. Inheritance: Autosomal dominant inheritance. Observed: 11 variant alleles, 11 heterozygotes.
Comment: This missense variant replaces isoleucine with threonine at codon 499 of the COL3A1 protein. Computational prediction suggests that this variant may not impact protein structure and function (internally defined REVEL score threshold <= 0.5, PMID: 27666373). To our knowledge, functional studies have not been reported for this variant. This variant has not been reported in individuals affected with cardiovascular disorders in the literature. This variant has not been identified in the general population by the Genome Aggregation Database (gnomAD). The available evidence is insufficient to determine the role of this variant in disease conclusively. Therefore, this variant is classified as a Variant of Uncertain Significance.

This study involves interpretation of variants in research participants for the purpose of population health screening. Participant phenotype was not available at the time of variant classification. Additional details can be found in publication PMID: 35346344, PMCID: PMC8962531

Color Diagnostics, LLC DBA Color Health
Classification: Uncertain significance for Familial thoracic aortic aneurysm and aortic dissection. Last evaluated: 2024-03-06. Review status: criteria provided, single submitter. Criteria: ACMG Guidelines, 2015. Collection method: clinical testing. Allele origin: germline.
Comment: This missense variant replaces isoleucine with threonine at codon 499 of the COL3A1 protein. Computational prediction suggests that this variant may not impact protein structure and function (internally defined REVEL score threshold <= 0.5, PMID: 27666373). To our knowledge, functional studies have not been reported for this variant. This variant has not been reported in individuals affected with cardiovascular disorders in the literature. This variant has not been identified in the general population by the Genome Aggregation Database (gnomAD). The available evidence is insufficient to determine the role of this variant in disease conclusively. Therefore, this variant is classified as a Variant of Uncertain Significance.

Ambry Genetics
Classification: Uncertain significance for Familial thoracic aortic aneurysm and aortic dissection. Last evaluated: 2022-03-21. Review status: criteria provided, single submitter. Criteria: Ambry Variant Classification Scheme 2023. Collection method: clinical testing. Allele origin: germline.
Comment: The p.I499T variant (also known as c.1496T>C), located in coding exon 21 of the COL3A1 gene, results from a T to C substitution at nucleotide position 1496. The isoleucine at codon 499 is replaced by threonine, an amino acid with similar properties. This amino acid position is poorly conserved in available vertebrate species. In addition, this alteration is predicted to be tolerated by in silico analysis. Since supporting evidence is limited at this time, the clinical significance of this alteration remains unclear.

Fulgent Genetics
Classification: Uncertain significance for Ehlers-Danlos syndrome, type 4; Polymicrogyria with or without vascular-type Ehlers-Danlos syndrome. Last evaluated: 2021-08-31. Review status: criteria provided, single submitter. Criteria: ACMG Guidelines, 2015. Collection method: clinical testing. Allele origin: unknown.

NM_000090.4(COL3A1):c.1496T>C (p.Ile499Thr)

Gene: COL3A1 (collagen type III alpha 1 chain; plus strand). Cytogenetic location: 2q32.2.
Variant type: single nucleotide variant.
Coding change: c.1496T>C on transcript NM_000090.4 (MANE Select); coding-DNA position 1496, T replaced by C.
Protein change: p.Ile499Thr; replaces isoleucine 499 with threonine.
Molecular consequence: missense variant.
Genome position (GRCh38, 1-based): chr2:188,995,086, T>C. VCF-style: chr2-188995086-T-C. GRCh37 (hg19) VCF-style: chr2-189859812-T-C.
Other names: short protein forms I499T.
Identifiers: ClinVar variation 459764 (VCV000459764.19), dbSNP rs1001748912, ClinGen allele CA62596424.